The following is an entry in ClinVar:

NM_000277.3(PAH):c.731C>T (p.Pro244Leu)

Gene: PAH (phenylalanine hydroxylase; minus strand). Cytogenetic location: 12q23.2.
Variant type: single nucleotide variant.
Coding change: c.731C>T on transcript NM_000277.3 (MANE Select); coding-DNA position 731, C replaced by T.
Protein change: p.Pro244Leu; replaces proline 244 with leucine.
Molecular consequence: missense variant.
Genome position (GRCh38, 1-based): chr12:102,852,926, G>A on the plus strand (C>T on the coding strand, the complement: PAH is on the minus strand). VCF-style: chr12-102852926-G-A. GRCh37 (hg19) VCF-style: chr12-103246704-G-A.
Other names: c.731C>T, p.Pro244Leu (NM_001354304.2); short protein forms P244L.
Identifiers: ClinVar variation 621 (VCV000000621.83), dbSNP rs118203923, ClinGen allele CA229721.
Genomic context (GRCh38, chr12:102,852,926, plus strand): 5'-TGGAAGACTCGGAAGGCCAGGCCACCCAAGAAATCCCGAGAGGAAAGCAGGCCAGCCACA[G>A]GTCGGAGGCGGAAACCAGTGCAAGCTGGGATGAAAAGAAGAAAGAAAACTCAAAGCTCAT-3'
Protein context (NP_000268.1, residues 234-254): LQTCTGFRLR[Pro244Leu]VAGLLSSRDF

ClinVar aggregate classification (germline): Likely pathogenic. Review status: reviewed by expert panel (3 of 4 stars). 3 submissions from 3 submitters: Likely pathogenic (1). 2 of the submissions do not count toward it. Last evaluated 2020-05-22.

Conditions:
Phenylketonuria (PKU). Also called: Phenylketonuria (PKU); Phenylketonurias; OLIGOPHRENIA PHENYLPYRUVICA; FOLLING DISEASE. Identifiers: Orphanet 716, MedGen C0031485, MONDO:0009861, OMIM 261600. Disease mechanism: loss of function.

Allele frequency attached by ClinVar (database versions not stated): ExAC 0.00001; gnomAD exomes below 0.00001.
gnomAD v4.1: 1 of 1,614,102 alleles (0.000062%); highest among the groups gnomAD compares: Admixed American, 0.0017%; no homozygotes.

Submissions (3):

ClinGen PAH Variant Curation Expert Panel
Classification: Likely pathogenic for Phenylketonuria. Last evaluated: 2020-05-22. Review status: reviewed by expert panel. Criteria: ClinGen PAH ACMG Specifications v1. Collection method: curation. Allele origin: germline. Inheritance: Autosomal recessive inheritance.
Comment: The c.731C>T (p.Pro244Leu) variant in PAH has been reported in 2 individuals with mild PKU or benign HPA (BH4 deficiency excluded). It was detected in trans with pathogenic variants I65T, PMID: 1363838 and p.R261Q )parental analysis not reported PMID: 23430859). This variant has extremely low frequency in gnomAD (MAF= 0.00002979) and ExAC (MAF=0.00009). Computational evidence supports a deleterious effect. In summary, this variant meets criteria to be classified as likely pathogenic for PAH. PAH-specific ACMG/AMP criteria applied: PP4_Moderate, PM2, PM3, PP3.

OMIM
Classification: Pathogenic for PHENYLKETONURIA. Last evaluated: 1992-12-01. Review status: no assertion criteria provided. Collection method: literature only. Allele origin: germline. Not counted in ClinVar's aggregate classification.

DeBelle Laboratory for Biochemical Genetics, MUHC/MCH RESEARCH INSTITUTE
No classification provided. Review status: no classification provided. Collection method: not provided. Allele origin: not provided. Not counted in ClinVar's aggregate classification.

Literature cited by the submitters: PubMed 15464430 (cited by ClinGen PAH Variant Curation Expert Panel); PubMed 23430859 (cited by ClinGen PAH Variant Curation Expert Panel); PubMed 10234516 (cited by ClinGen PAH Variant Curation Expert Panel); PubMed 1363838 (cited by ClinGen PAH Variant Curation Expert Panel and OMIM); PubMed 16165389 (cited by ClinGen PAH Variant Curation Expert Panel); PubMed 8981952 (cited by ClinGen PAH Variant Curation Expert Panel).